The following is an entry in ClinVar:

ClinVar aggregate classification (germline): Likely pathogenic (1 of 4 stars; one submission).

Conditions:
Ethylmalonic encephalopathy (EE). Also called: EPEMA syndrome; Encephalopathy, petechiae, and ethylmalonic aciduria; Syndrome of encephalopathy, petechiae, and ethylmalonic aciduria. Identifiers: Orphanet 51188, MedGen C1865349, MONDO:0011229, OMIM 602473. Disease mechanism: loss of function.

Submission:

Natera, Inc.
Classification: Likely pathogenic for Ethylmalonic encephalopathy. Last evaluated: 2024-05-06. Review status: criteria provided, single submitter. Criteria: Natera Variant Classification Schema (03/2026). Collection method: clinical testing. Allele origin: germline.
Comment: The c.226+1delG variant in ETHE1 is a canonical splice donor site variant predicted to affect pre-mRNA splicing, which may result in an abnormal transcript and altered protein product. This variant is expected to result in nonsense mediated decay, truncation, or a dysfunctional protein product. This variant is rare in the general population with a frequency below the threshold expected for the associated phenotype(s). Given the available evidence, this variant is classified as Likely Pathogenic.

NM_014297.5(ETHE1):c.226+1del

Gene: ETHE1 (ETHE1 persulfide dioxygenase; minus strand). Cytogenetic location: 19q13.31.
Variant type: Deletion.
Coding change: c.226+1del on transcript NM_014297.5 (MANE Select); the canonical splice donor site of the intron after coding-DNA position 226, one base deleted (G; older notation c.226+1delG).
Molecular consequence: splice donor variant. On other transcripts: intron variant (1).
Genome position (GRCh38, 1-based): chr19:43,526,514, C deleted on the plus strand (G on the coding strand, the reverse complement: ETHE1 is on the minus strand); the first of 2 consecutive C bases (chr19:43,526,514-43,526,515); deleting either gives the same sequence. VCF-style (leftmost placement, unchanged base first): chr19-43526513-AC-A. GRCh37 (hg19) VCF-style: chr19-44030665-AC-A.
Other names: c.81+583del (NM_001320869.2); c.6+1del (NM_001320868.2); c.226+1del (NM_001320867.2).
Identifiers: ClinVar variation 4815655 (VCV004815655.1).